The following is an entry in ClinVar:

ClinVar aggregate classification (germline): Uncertain significance (1 of 4 stars; one submission).

Conditions:
Osteogenesis imperfecta type 8 (OI8). Identifiers: MedGen C1970458, MONDO:0012581, OMIM 610915.

Allele frequency attached by ClinVar (database versions not stated): gnomAD 0.00001.
gnomAD v4.1: 2 of 1,610,718 alleles (0.00012%); highest among the groups gnomAD compares: Non-Finnish European, 0.000085%; no homozygotes.

Submission:

Labcorp Genetics (formerly Invitae), Labcorp
Classification: Uncertain significance for Osteogenesis imperfecta type 8. Last evaluated: 2019-09-03. Review status: criteria provided, single submitter. Criteria: Invitae Variant Classification Sherloc (09022015). Collection method: clinical testing. Allele origin: germline.
Comment: In summary, the available evidence is currently insufficient to determine the role of this variant in disease. Therefore, it has been classified as a Variant of Uncertain Significance. Algorithms developed to predict the effect of missense changes on protein structure and function are either unavailable or do not agree on the potential impact of this missense change (SIFT: "Deleterious"; PolyPhen-2: "Possibly Damaging"; Align-GVGD: "Class C0"). This variant has not been reported in the literature in individuals with P3H1-related conditions. This variant is not present in population databases (ExAC no frequency). This sequence change replaces histidine with aspartic acid at codon 130 of the P3H1 protein (p.His130Asp). The histidine residue is moderately conserved and there is a moderate physicochemical difference between histidine and aspartic acid.

NM_022356.4(P3H1):c.388C>G (p.His130Asp)

Gene: P3H1 (prolyl 3-hydroxylase 1; minus strand). Cytogenetic location: 1p34.2.
Variant type: single nucleotide variant.
Coding change: c.388C>G on transcript NM_022356.4 (MANE Select); coding-DNA position 388, C replaced by G.
Protein change: p.His130Asp; replaces histidine 130 with aspartic acid.
Molecular consequence: missense variant.
Genome position (GRCh38, 1-based): chr1:42,766,584, G>C on the plus strand (C>G on the coding strand, the complement: P3H1 is on the minus strand). VCF-style: chr1-42766584-G-C. GRCh37 (hg19) VCF-style: chr1-43232255-G-C.
Other names: c.388C>G, p.His130Asp (NM_001146289.2, NM_001243246.2); short protein forms H130D.
Identifiers: ClinVar variation 939033 (VCV000939033.9), dbSNP rs1348446019, ClinGen allele CA339963542.